The following is an entry in ClinVar:

NM_173628.4(DNAH17):c.12942T>G (p.Phe4314Leu)

Gene: DNAH17 (dynein axonemal heavy chain 17; minus strand). Cytogenetic location: 17q25.3.
Variant type: single nucleotide variant.
Coding change: c.12942T>G on transcript NM_173628.4 (MANE Select); coding-DNA position 12942, T replaced by G.
Protein change: p.Phe4314Leu; replaces phenylalanine 4314 with leucine.
Molecular consequence: missense variant.
Genome position (GRCh38, 1-based): chr17:78,425,545, A>C on the plus strand (T>G on the coding strand, the complement: DNAH17 is on the minus strand). VCF-style: chr17-78425545-A-C. GRCh37 (hg19) VCF-style: chr17-76421626-A-C.
Other names: short protein forms F4314L.
Identifiers: ClinVar variation 2578798 (VCV002578798.25), dbSNP rs142772880, ClinGen allele CA8799714.

ClinVar aggregate classification (germline): Likely benign (1 of 4 stars; one submission).

Allele frequency attached by ClinVar (database versions not stated): 1000 Genomes Project 0.00300; 1000 Genomes Project 30x 0.00312; gnomAD 0.00371; ESP Exome Variant Server 0.00384; TOPMed 0.00429; ExAC 0.00444.
gnomAD v4.1: 8,256 of 1,612,950 alleles (0.51%); highest among the groups gnomAD compares: Middle Eastern, 2.4%; 35 homozygotes.

Submission:

CeGaT Center for Human Genetics Tuebingen
Classification: Likely benign. Last evaluated: 2026-05-01. Review status: criteria provided, single submitter. Criteria: CeGaT Center For Human Genetics Tuebingen Variant Classification Criteria Version 2. Collection method: clinical testing. Allele origin: germline. Affected: yes. Observed: 7 variant alleles.
Comment: DNAH17: BS2